The following is an entry in ClinVar:

ClinVar aggregate classification (germline): Pathogenic (1 of 4 stars; one submission).

Conditions:
Hereditary cancer-predisposing syndrome. Also called: Neoplastic Syndromes, Hereditary; Tumor predisposition; Hereditary neoplastic syndrome; Hereditary Cancer Syndrome. Identifiers: Orphanet 140162, MedGen C0027672, MeSH D009386, MONDO:0015356.

Submission:

Ambry Genetics
Classification: Pathogenic for Hereditary cancer-predisposing syndrome. Last evaluated: 2025-07-09. Review status: criteria provided, single submitter. Criteria: Ambry Variant Classification Scheme 2023. Collection method: clinical testing. Allele origin: germline.
Comment: The c.7424dupT pathogenic mutation, located in coding exon 49 of the ATM gene, results from a duplication of T at nucleotide position 7424, causing a translational frameshift with a predicted alternate stop codon (p.L2475Ffs*7). This variant is considered to be rare based on population cohorts in the Genome Aggregation Database (gnomAD). This alteration is expected to result in loss of function by premature protein truncation or nonsense-mediated mRNA decay. As such, this alteration is interpreted as a disease-causing mutation.

NM_000051.4(ATM):c.7424dup (p.Leu2475fs)

Genes: ATM (ATM serine/threonine kinase; plus strand), C11orf65 (chromosome 11 open reading frame 65; minus strand). Cytogenetic location: 11q22.3.
Variant type: Duplication.
Coding change: c.7424dup on transcript NM_000051.4 (MANE Select); coding-DNA position 7424, one base duplicated (T; older notation c.7424dupT).
Protein change: p.Leu2475fs; shifts the reading frame from leucine 2475.
Molecular consequence: frameshift variant. On other transcripts: intron variant (2).
Genome position (GRCh38, 1-based): chr11:108,330,330, T duplicated; the last of 2 consecutive T bases (chr11:108,330,329-108,330,330); duplicating either gives the same sequence. VCF-style (leftmost placement, unchanged base first): chr11-108330328-A-AT. GRCh37 (hg19) VCF-style: chr11-108201055-A-AT.
Other names: c.7424dup, p.Leu2475fs (NM_001351834.2); c.641-21258dup (NM_001330368.2); c.*38+4891dup (NM_001351110.2); c.7424dupT (NM_000051.3); short protein forms L2475fs.
Identifiers: ClinVar variation 4168662 (VCV004168662.1).